The following is an entry in ClinVar:

NM_000875.5(IGF1R):c.3969C>G (p.His1323Gln)

Gene: IGF1R (insulin like growth factor 1 receptor; plus strand). Cytogenetic location: 15q26.3.
Variant type: single nucleotide variant.
Coding change: c.3969C>G on transcript NM_000875.5 (MANE Select); coding-DNA position 3969, C replaced by G.
Protein change: p.His1323Gln; replaces histidine 1323 with glutamine.
Molecular consequence: missense variant.
Genome position (GRCh38, 1-based): chr15:98,957,307, C>G. VCF-style: chr15-98957307-C-G. GRCh37 (hg19) VCF-style: chr15-99500536-C-G.
Other names: c.3966C>G, p.His1322Gln (NM_001291858.2); short protein forms H1322Q, H1323Q.
Identifiers: ClinVar variation 3257683 (VCV003257683.17).

ClinVar aggregate classification (germline): Uncertain significance (1 of 4 stars; one submission).

gnomAD v4.1: 7 of 1,613,242 alleles (0.00043%); highest among the groups gnomAD compares: Non-Finnish European, 0.00059%; no homozygotes.

Submission:

CeGaT Center for Human Genetics Tuebingen
Classification: Uncertain significance. Last evaluated: 2024-07-01. Review status: criteria provided, single submitter. Criteria: CeGaT Center For Human Genetics Tuebingen Variant Classification Criteria Version 2. Collection method: clinical testing. Allele origin: germline. Affected: yes. Observed: 1 variant allele.
Comment: IGF1R: PM2